The following is an entry in ClinVar:

NM_002334.4(LRP4):c.862C>G (p.Arg288Gly)

Gene: LRP4 (LDL receptor related protein 4; minus strand). Cytogenetic location: 11p11.2.
Variant type: single nucleotide variant.
Coding change: c.862C>G on transcript NM_002334.4 (MANE Select); coding-DNA position 862, C replaced by G.
Protein change: p.Arg288Gly; replaces arginine 288 with glycine.
Molecular consequence: missense variant.
Genome position (GRCh38, 1-based): chr11:46,896,929, G>C on the plus strand (C>G on the coding strand, the complement: LRP4 is on the minus strand). VCF-style: chr11-46896929-G-C. GRCh37 (hg19) VCF-style: chr11-46918480-G-C.
Other names: c.862C>G (NM_002334.3); short protein forms R288G.
Identifiers: ClinVar variation 2004499 (VCV002004499.5), dbSNP rs982467887, ClinGen allele CA380287943.
Genomic context (GRCh38, chr11:46,896,929, plus strand): 5'-CTGTATTCTCACAGTTCTCTTCATCGCTGTTGTCTGCACAGTCGTCCTCCCCATCACAGC[G>C]CCAGGACAGGCGGACACAGCGGCCTGAGTGACAGCGGAACTGTTCTGCCGTACACATGGA-3'
Protein context (NP_002325.2, residues 278-298): HSGRCVRLSW[Arg288Gly]CDGEDDCADN

ClinVar aggregate classification (germline): Uncertain significance. Review status: criteria provided, multiple submitters, no conflicts (2 of 4 stars). 2 submissions from 2 submitters: Uncertain significance (2). Last evaluated 2025-11-13.

Conditions:
Sclerosteosis 2 (SOST2). Identifiers: Orphanet 3152, MedGen C3280402, MONDO:0013679, OMIM 614305.
Congenital myasthenic syndrome 17. Identifiers: Orphanet 590, MedGen C4225377, MONDO:0014578, OMIM 616304.
Cenani-Lenz syndactyly syndrome. Also called: SYNDACTYLY, TYPE VII; CENANI SYNDACTYLISM. Identifiers: Orphanet 3258, MedGen C1859309, MONDO:0008931, OMIM 212780.
Inborn genetic diseases. Identifiers: MedGen C0950123, MeSH D030342.

Submissions (2):

Ambry Genetics
Classification: Uncertain significance for Inborn genetic diseases. Last evaluated: 2025-11-13. Review status: criteria provided, single submitter. Criteria: Ambry Variant Classification Scheme 2023. Collection method: clinical testing. Allele origin: germline.

Labcorp Genetics (formerly Invitae), Labcorp
Classification: Uncertain significance for Cenani-Lenz syndactyly syndrome; Sclerosteosis 2; Congenital myasthenic syndrome 17. Last evaluated: 2022-06-10. Review status: criteria provided, single submitter. Criteria: Invitae Variant Classification Sherloc (09022015). Collection method: clinical testing. Allele origin: germline.
Comment: Algorithms developed to predict the effect of missense changes on protein structure and function are either unavailable or do not agree on the potential impact of this missense change (SIFT: "Deleterious"; PolyPhen-2: "Possibly Damaging"; Align-GVGD: "Class C0"). In summary, the available evidence is currently insufficient to determine the role of this variant in disease. Therefore, it has been classified as a Variant of Uncertain Significance. This variant has not been reported in the literature in individuals affected with LRP4-related conditions. This variant is not present in population databases (gnomAD no frequency). This sequence change replaces arginine, which is basic and polar, with glycine, which is neutral and non-polar, at codon 288 of the LRP4 protein (p.Arg288Gly).